The following is an entry in ClinVar:

NM_182961.4(SYNE1):c.2807G>A (p.Arg936Gln)

Gene: SYNE1 (spectrin repeat containing nuclear envelope protein 1; minus strand). Cytogenetic location: 6q25.2.
Variant type: single nucleotide variant.
Coding change: c.2807G>A on transcript NM_182961.4 (MANE Select); coding-DNA position 2807, G replaced by A.
Protein change: p.Arg936Gln; replaces arginine 936 with glutamine.
Molecular consequence: missense variant.
Genome position (GRCh38, 1-based): chr6:152,455,511, C>T on the plus strand (G>A on the coding strand, the complement: SYNE1 is on the minus strand). VCF-style: chr6-152455511-C-T. GRCh37 (hg19) VCF-style: chr6-152776646-C-T.
Other names: c.2828G>A, p.Arg943Gln (NM_033071.5); short protein forms R936Q, R943Q.
Identifiers: ClinVar variation 1386441 (VCV001386441.7), dbSNP rs537794828, ClinGen allele CA4059026.
Genomic context (GRCh38, chr6:152,455,511, plus strand): 5'-GGATCCCCCTTTTCCTCCAGGCCCTCCTGAGCAATCCGCAGTACCTTCTCCAACTCTGCT[C>T]GAGACTCCTCAAACTTCTTCATCAAGCGACTGTTGGTTTCCACATGCTTCTTCCAATCTC-3'
Protein context (NP_892006.3, residues 926-946): SRLMKKFEES[Arg936Gln]AELEKVLRIA

ClinVar aggregate classification (germline): Uncertain significance (1 of 4 stars; one submission).

Conditions:
Emery-Dreifuss muscular dystrophy 4, autosomal dominant (EDMD4). Also called: EMERY-DREIFUSS MUSCULAR DYSTROPHY 4 WITH VARIABLE FEATURES. Identifiers: Orphanet 261, MedGen C2751807, MONDO:0013071, OMIM 612998.
Autosomal recessive ataxia, Beauce type. Also called: SYNE1-Related Autosomal Recessive Cerebellar Ataxia; Spinocerebellar ataxia, autosomal recessive 8; ATAXIA, RECESSIVE, OF BEAUCE; SYNE1 Deficiency. Identifiers: Orphanet 88644, MedGen C1853116, MONDO:0012549, OMIM 610743.

Allele frequency attached by ClinVar (database versions not stated): TOPMed below 0.00001; gnomAD 0.00001; ExAC 0.00002; gnomAD exomes 0.00002; 1000 Genomes Project 30x 0.00016; 1000 Genomes Project 0.00020.
gnomAD v4.1: 20 of 1,614,132 alleles (0.0012%); highest among the groups gnomAD compares: South Asian, 0.0055%; no homozygotes.

Submission:

Labcorp Genetics (formerly Invitae), Labcorp
Classification: Uncertain significance for Emery-Dreifuss muscular dystrophy 4, autosomal dominant; Autosomal recessive ataxia, Beauce type. Last evaluated: 2022-07-05. Review status: criteria provided, single submitter. Criteria: Invitae Variant Classification Sherloc (09022015). Collection method: clinical testing. Allele origin: germline.
Comment: This sequence change replaces arginine, which is basic and polar, with glutamine, which is neutral and polar, at codon 943 of the SYNE1 protein (p.Arg943Gln). This variant is present in population databases (rs537794828, gnomAD 0.01%). This variant has not been reported in the literature in individuals affected with SYNE1-related conditions. ClinVar contains an entry for this variant (Variation ID: 1386441). Algorithms developed to predict the effect of missense changes on protein structure and function are either unavailable or do not agree on the potential impact of this missense change (SIFT: "Deleterious"; PolyPhen-2: "Probably Damaging"; Align-GVGD: "Class C0"). In summary, the available evidence is currently insufficient to determine the role of this variant in disease. Therefore, it has been classified as a Variant of Uncertain Significance.